The following is an entry in ClinVar:

ClinVar aggregate classification (germline): Uncertain significance. Review status: criteria provided, multiple submitters, no conflicts (2 of 4 stars). 2 submissions from 2 submitters: Uncertain significance (2). Last evaluated 2025-09-26.

Conditions:
Bernard-Soulier syndrome, type A2, autosomal dominant (BSSA2). Also called: Bernard-Soulier syndrome, type A2 (dominant). Identifiers: Orphanet 274, MedGen C3277076, MONDO:0007930, OMIM 153670.

Submissions (2):

Mayo Clinic Laboratories, Mayo Clinic
Classification: Uncertain significance. Last evaluated: 2025-09-26. Review status: criteria provided, single submitter. Criteria: ACMG Guidelines, 2015. Collection method: clinical testing. Allele origin: germline. Observed: 1 variant allele.
Comment: PM2_supporting

ISTH-SSC Genomics in Thrombosis and Hemostasis, KU Leuven, Center for Molecular and Vascular Biology
Classification: Uncertain significance for Bernard-Soulier syndrome, type A2, autosomal dominant. Review status: criteria provided, single submitter. Criteria: ACMG Guidelines, 2015. Collection method: clinical testing. Allele origin: germline. Affected: yes. Observed: 1 heterozygote.
Comment: Submitted to GoldVariant by Jose María Bastida and José Rivera; Grupo Español de Alteraciones Plaquetarias Congénitas (GEAPC)

NM_000173.7(GP1BA):c.520A>G (p.Asn174Asp)

Gene: GP1BA (glycoprotein Ib platelet subunit alpha; plus strand). Cytogenetic location: 17p13.2.
Variant type: single nucleotide variant.
Coding change: c.520A>G on transcript NM_000173.7 (MANE Select); coding-DNA position 520, A replaced by G.
Protein change: p.Asn174Asp; replaces asparagine 174 with aspartic acid.
Molecular consequence: missense variant.
Genome position (GRCh38, 1-based): chr17:4,933,124, A>G. VCF-style: chr17-4933124-A-G. GRCh37 (hg19) VCF-style: chr17-4836419-A-G.
Other names: p.Asn174Asp; short protein forms N174D.
Identifiers: ClinVar variation 1703854 (VCV001703854.3), dbSNP rs2507592557, ClinGen allele CA397317071.